The following is an entry in ClinVar:

ClinVar aggregate classification (germline): Uncertain significance (1 of 4 stars; one submission).

gnomAD v4.1: 30 of 1,613,774 alleles (0.0019%); highest among the groups gnomAD compares: Middle Eastern, 0.016%; no homozygotes.

Submissions (2):

Labcorp Genetics (formerly Invitae), Labcorp
Classification: Uncertain significance. Last evaluated: 2024-09-03. Review status: criteria provided, single submitter. Criteria: Invitae Variant Classification Sherloc (09022015). Collection method: clinical testing. Allele origin: germline.
Comment: This sequence change replaces valine, which is neutral and non-polar, with methionine, which is neutral and non-polar, at codon 1567 of the CCDC88C protein (p.Val1567Met). This variant also falls at the last nucleotide of exon 27, which is part of the consensus splice site for this exon. This variant is present in population databases (rs371709826, gnomAD 0.01%). This variant has not been reported in the literature in individuals affected with CCDC88C-related conditions. An algorithm developed to predict the effect of missense changes on protein structure and function (PolyPhen-2) suggests that this variant¬†is likely to be tolerated. Variants that disrupt the consensus splice site are a relatively common cause of aberrant splicing (PMID: 17576681, 9536098). Algorithms developed to predict the effect of sequence changes on RNA splicing suggest that this variant may disrupt the consensus splice site. In summary, the available evidence is currently insufficient to determine the role of this variant in disease. Therefore, it has been classified as a Variant of Uncertain Significance.

Dr. Peter K. Rogan Lab, Western University
No classification provided (evidence only). Condition: Thyroid cancer, nonmedullary, 1. Review status: no classification provided. Collection method: in vitro. Allele origin: not applicable. Functional consequence: skipped exon. Not counted in ClinVar's aggregate classification.

Literature cited by the submitters: PubMed 17576681 (cited by Labcorp Genetics (formerly Invitae), Labcorp); PubMed 9536098 (cited by Labcorp Genetics (formerly Invitae), Labcorp).

NM_001080414.4(CCDC88C):c.4699G>A (p.Val1567Met)

Gene: CCDC88C (coiled-coil and HOOK domain protein 88C; minus strand). Cytogenetic location: 14q32.11.
Variant type: single nucleotide variant.
Coding change: c.4699G>A on transcript NM_001080414.4 (MANE Select); coding-DNA position 4699, G replaced by A.
Protein change: p.Val1567Met; replaces valine 1567 with methionine.
Molecular consequence: missense variant. On other transcripts: non-coding transcript variant (2).
Genome position (GRCh38, 1-based): chr14:91,281,457, C>T on the plus strand (G>A on the coding strand, the complement: CCDC88C is on the minus strand). VCF-style: chr14-91281457-C-T. GRCh37 (hg19) VCF-style: chr14-91747801-C-T.
Other names: short protein forms V1567M.
Identifiers: ClinVar variation 3715737 (VCV003715737.2).
Genomic context (GRCh38, chr14:91,281,457, plus strand): 5'-CCGTGGATAAAAACCAGTCTGGAAACCCAGGCTGGAGGACACAGCACCCTCCCTACTCAC[C>T]GTACTGCCTGTGGTTGGGGACCTCAAACTCCAGGGATGGCTCACAGAGGTTGTCATCTGA-3'
Protein context (NP_001073883.2, residues 1557-1577): EFEVPNHRQY[Val1567Met]SRPSSLESSR